The following is an entry in ClinVar:

ClinVar aggregate classification (germline): Benign/Likely benign. Review status: criteria provided, multiple submitters, no conflicts (2 of 4 stars). 6 submissions from 6 submitters: Benign (4); Likely benign (2). Last evaluated 2026-01-15.

Conditions:
Autosomal recessive nonsyndromic hearing loss 28. Identifiers: Orphanet 90636, MedGen C1853276, MONDO:0012355, OMIM 609823.

Allele frequency attached by ClinVar (database versions not stated): 1000 Genomes Project 0.00519; 1000 Genomes Project 30x 0.00562; gnomAD 0.00567; TOPMed 0.00607; ESP Exome Variant Server 0.00688.
gnomAD v4.1: 1,681 of 1,614,076 alleles (0.1%); highest among the groups gnomAD compares: African/African-American, 2%; 18 homozygotes.

Submissions (6):

Labcorp Genetics (formerly Invitae), Labcorp
Classification: Benign. Last evaluated: 2026-01-15. Review status: criteria provided, single submitter. Criteria: Invitae Variant Classification Sherloc (09022015). Collection method: clinical testing. Allele origin: germline.

Blueprint Genetics
Classification: Likely benign. Last evaluated: 2024-11-13. Review status: criteria provided, single submitter. Criteria: ACMG Guidelines, 2015. Collection method: clinical testing. Allele origin: germline.

Fulgent Genetics
Classification: Likely benign for Autosomal recessive nonsyndromic hearing loss 28. Last evaluated: 2021-09-08. Review status: criteria provided, single submitter. Criteria: ACMG Guidelines, 2015. Collection method: clinical testing. Allele origin: unknown.

GeneDx
Classification: Benign. Last evaluated: 2020-01-29. Review status: criteria provided, single submitter. Criteria: GeneDx Variant Classification Process June 2021. Collection method: clinical testing. Allele origin: germline. Affected: yes.

Eurofins Ntd Llc (ga)
Classification: Benign. Last evaluated: 2016-05-31. Review status: criteria provided, single submitter. Criteria: EGL Classification Definitions 2015. Collection method: clinical testing. Allele origin: germline. Observed: 1 variant allele, 1 heterozygote.

Laboratory for Molecular Medicine, Mass General Brigham Personalized Medicine
Classification: Benign. Last evaluated: 2012-05-07. Review status: criteria provided, single submitter. Criteria: LMM Criteria. Collection method: clinical testing. Allele origin: germline. Observed: 6 variant alleles.
Comment: Asp168Glu in Exon 06 of TRIOBP: This variant is not expected to have clinical si gnificance because it has been identified in 2.1% (67/3156) of African American chromosomes from a broad population by the NHLBI Exome Sequencing Project (dbSNP rs116448422).

NM_001039141.3(TRIOBP):c.504C>A (p.Asp168Glu)

Gene: TRIOBP (TRIO and F-actin binding protein; plus strand). Cytogenetic location: 22q13.1.
Variant type: single nucleotide variant.
Coding change: c.504C>A on transcript NM_001039141.3 (MANE Select); coding-DNA position 504, C replaced by A.
Protein change: p.Asp168Glu; replaces aspartic acid 168 with glutamic acid.
Molecular consequence: missense variant.
Genome position (GRCh38, 1-based): chr22:37,715,810, C>A. VCF-style: chr22-37715810-C-A. GRCh37 (hg19) VCF-style: chr22-38111817-C-A.
Other names: short protein forms D168E.
Identifiers: ClinVar variation 227126 (VCV000227126.22), dbSNP rs116448422, ClinGen allele CA10223371.
Genomic context (GRCh38, chr22:37,715,810, plus strand): 5'-CCTTCTCTGGCAGGACTGGGACACTGTTGAGAGGCAGGAGGAGGAGGCCCCCAGCTGGGA[C>A]GAGCTCGCAGTGATGATCCCGAGGAGGCCTCGGGAGGGGCCGAGAGCTGACAGCTCCCAA-3'
Protein context (NP_001034230.1, residues 158-178): ERQEEEAPSW[Asp168Glu]ELAVMIPRRP